The following is an entry in ClinVar:

ClinVar aggregate classification (germline): Uncertain significance (1 of 4 stars; one submission).

Conditions:
Transcobalamin II deficiency (TCN2D). Also called: TC II DEFICIENCY; TCN2 DEFICIENCY; Transcolabamin II deficiency. Identifiers: Orphanet 859, MedGen C0342701, MONDO:0010149, OMIM 275350.

Allele frequency attached by ClinVar (database versions not stated): gnomAD exomes below 0.00001 and 0.00002; ExAC 0.00001; gnomAD 0.00002; TOPMed 0.00003; ESP Exome Variant Server 0.00008.

Submission:

Labcorp Genetics (formerly Invitae), Labcorp
Classification: Uncertain significance for Transcobalamin II deficiency. Last evaluated: 2022-02-05. Review status: criteria provided, single submitter. Criteria: Invitae Variant Classification Sherloc (09022015). Collection method: clinical testing. Allele origin: germline.
Comment: This sequence change replaces lysine, which is basic and polar, with arginine, which is basic and polar, at codon 123 of the TCN2 protein (p.Lys123Arg). This variant is present in population databases (rs368757546, gnomAD 0.003%). This variant has not been reported in the literature in individuals affected with TCN2-related conditions. ClinVar contains an entry for this variant (Variation ID: 1008949). Algorithms developed to predict the effect of missense changes on protein structure and function are either unavailable or do not agree on the potential impact of this missense change (SIFT: "Tolerated"; PolyPhen-2: "Possibly Damaging"; Align-GVGD: "Class C0"). In summary, the available evidence is currently insufficient to determine the role of this variant in disease. Therefore, it has been classified as a Variant of Uncertain Significance.

NM_000355.4(TCN2):c.368A>G (p.Lys123Arg)

Gene: TCN2 (transcobalamin 2; plus strand). Cytogenetic location: 22q12.2.
Variant type: single nucleotide variant.
Coding change: c.368A>G on transcript NM_000355.4 (MANE Select); coding-DNA position 368, A replaced by G.
Protein change: p.Lys123Arg; replaces lysine 123 with arginine.
Molecular consequence: missense variant. On other transcripts: intron variant (1).
Genome position (GRCh38, 1-based): chr22:30,612,983, A>G. VCF-style: chr22-30612983-A-G. GRCh37 (hg19) VCF-style: chr22-31008970-A-G.
Other names: c.346+22A>G (NM_001184726.2); short protein forms K123R.
Identifiers: ClinVar variation 1008949 (VCV001008949.6), dbSNP rs368757546, ClinGen allele CA10184599.